The following is an entry in ClinVar:

NM_000091.5(COL4A3):c.1845dup (p.Pro616fs)

Genes: COL4A3 (collagen type IV alpha 3 chain; plus strand), MFF-DT (MFF divergent transcript; minus strand). Cytogenetic location: 2q36.3.
Variant type: Duplication.
Coding change: c.1845dup on transcript NM_000091.5 (MANE Select); coding-DNA position 1845, one base duplicated (A; older notation c.1845dupA).
Protein change: p.Pro616fs; shifts the reading frame from proline 616.
Molecular consequence: frameshift variant.
Genome position (GRCh38, 1-based): chr2:227,273,035, A duplicated. VCF-style (leftmost placement, unchanged base first): chr2-227273034-C-CA. GRCh37 (hg19) VCF-style: chr2-228137750-C-CA.
Other names: c.1845dupA (NM_000091.4); short protein forms P616fs.
Identifiers: ClinVar variation 2734418 (VCV002734418.6), dbSNP rs1478523884, ClinGen allele CA539899416.

ClinVar aggregate classification (germline): Pathogenic/Likely pathogenic. Review status: criteria provided, multiple submitters, no conflicts (2 of 4 stars). 4 submissions from 4 submitters: Pathogenic (2); Likely pathogenic (2). Last evaluated 2024-12-27.

Conditions:
Alport syndrome. Also called: Hemorrhagic familial nephritis; Hemorrhagic hereditary nephritis; Congenital hereditary hematuria. Identifiers: Orphanet 63, MedGen C1567741, MONDO:0018965.

Allele frequency attached by ClinVar (database versions not stated): gnomAD exomes below 0.00001; gnomAD 0.00002; TOPMed 0.00003.

Submissions (4):

ARUP Laboratories, Molecular Genetics and Genomics, ARUP Laboratories
Classification: Likely pathogenic. Last evaluated: 2024-12-27. Review status: criteria provided, single submitter. Criteria: ARUP Molecular Germline Variant Investigation Process 2024. Collection method: clinical testing. Allele origin: germline.
Comment: The COL4A3 c.1845dup; p.Pro616ThrfsTer30 variant (rs1478523884, ClinVar Variation ID: 2734418) is reported in the literature in an individuals affected with Alport syndrome who carries a second loss of function COL4A3 variant (Nabais 2015). This variant is only observed on two alleles in the Genome Aggregation Database (v2.1.1), indicating it is not a common polymorphism. This variant causes a frameshift by inserting a single nucleotide, so it is predicted to result in a truncated protein or mRNA subject to nonsense-mediated decay. Based on available information, this variant is considered to be likely pathogenic. References: Nabais Sa MJ et al. Collagen type IV-related nephropathies in Portugal: pathogenic COL4A3 and COL4A4 mutations and clinical characterization of 25 families. Clin Genet. 2015 Nov;88(5):456-61. PMID: 25307543.

Natera, Inc.
Classification: Pathogenic for Alport syndrome. Last evaluated: 2024-06-20. Review status: criteria provided, single submitter. Criteria: Natera Variant Classification Schema (03/2026). Collection method: clinical testing. Allele origin: germline.
Comment: The c.1845dupA variant in COL4A3 is a frameshift variant predicted to shift the reading frame beginning at codon 616 and leads to a stop codon 30 codons downstream. This variant is expected to result in nonsense mediated decay, truncation, or a dysfunctional protein product. This variant is rare in the general population with a frequency below the threshold expected for the associated phenotype(s). This variant has been observed in one or more individuals affected with the associated recessive disease, as either homozygous or compound heterozygous with a second variant (PMID: 25307543). Given the available evidence, this variant is classified as Pathogenic.

GeneDx
Classification: Likely pathogenic. Last evaluated: 2023-10-25. Review status: criteria provided, single submitter. Criteria: GeneDx Variant Classification Process June 2021. Collection method: clinical testing. Allele origin: germline. Affected: yes.
Comment: Frameshift variant predicted to result in protein truncation or nonsense mediated decay in a gene for which loss of function is a known mechanism of disease; Not observed at significant frequency in large population cohorts (gnomAD); This variant is associated with the following publications: (PMID: 25307543)

Labcorp Genetics (formerly Invitae), Labcorp
Classification: Pathogenic. Last evaluated: 2023-01-05. Review status: criteria provided, single submitter. Criteria: Invitae Variant Classification Sherloc (09022015). Collection method: clinical testing. Allele origin: germline.
Comment: This variant is present in population databases (no rsID available, gnomAD 0.006%). This sequence change creates a premature translational stop signal (p.Pro616Thrfs*30) in the COL4A3 gene. It is expected to result in an absent or disrupted protein product. Loss-of-function variants in COL4A3 are known to be pathogenic (PMID: 8956999, 24854265, 26809805, 27281700). This premature translational stop signal has been observed in individual(s) with COL4A3-related conditions (PMID: 25307543). For these reasons, this variant has been classified as Pathogenic.

Literature cited by the submitters: PubMed 25307543 (cited by Natera, Inc. and Labcorp Genetics (formerly Invitae), Labcorp); PubMed 8956999 (cited by Labcorp Genetics (formerly Invitae), Labcorp); PubMed 24854265 (cited by Labcorp Genetics (formerly Invitae), Labcorp); PubMed 26809805 (cited by Labcorp Genetics (formerly Invitae), Labcorp); PubMed 27281700 (cited by Labcorp Genetics (formerly Invitae), Labcorp).